The following is an entry in ClinVar:

NM_000393.5(COL5A2):c.3526-324C>T

Gene: COL5A2 (collagen type V alpha 2 chain; minus strand). Cytogenetic location: 2q32.2.
Variant type: single nucleotide variant.
Coding change: c.3526-324C>T on transcript NM_000393.5 (MANE Select); 324 bases into the intron before coding-DNA position 3526, C replaced by T.
Molecular consequence: intron variant.
Genome position (GRCh38, 1-based): chr2:189,042,017, G>A on the plus strand (C>T on the coding strand, the complement: COL5A2 is on the minus strand). VCF-style: chr2-189042017-G-A. GRCh37 (hg19) VCF-style: chr2-189906743-G-A.
Identifiers: ClinVar variation 681216 (VCV000681216.1), dbSNP rs10194682, ClinGen allele CA15214492.

ClinVar aggregate classification (germline): Benign (1 of 4 stars; one submission).

Allele frequency attached by ClinVar (database versions not stated): 1000 Genomes Project 0.64058; TOPMed 0.69363; gnomAD 0.71239 and 0.71303.
gnomAD v4.1: 108,435 of 152,116 alleles (71%); highest among the groups gnomAD compares: Non-Finnish European, 81%; 39,695 homozygotes.

Submission:

GeneDx
Classification: Benign. Last evaluated: 2018-06-14. Review status: criteria provided, single submitter. Criteria: GeneDx Variant Classification (06012015). Collection method: clinical testing. Allele origin: germline. Affected: yes.
Comment: This variant is considered likely benign or benign based on one or more of the following criteria: it is a conservative change, it occurs at a poorly conserved position in the protein, it is predicted to be benign by multiple in silico algorithms, and/or has population frequency not consistent with disease.